The following is an entry in ClinVar:

NM_006739.4(MCM5):c.407G>C (p.Ser136Thr)

Gene: MCM5 (minichromosome maintenance complex component 5; plus strand). Cytogenetic location: 22q12.3.
Variant type: single nucleotide variant.
Coding change: c.407G>C on transcript NM_006739.4 (MANE Select); coding-DNA position 407, G replaced by C.
Protein change: p.Ser136Thr; replaces serine 136 with threonine.
Molecular consequence: missense variant.
Genome position (GRCh38, 1-based): chr22:35,403,526, G>C. VCF-style: chr22-35403526-G-C. GRCh37 (hg19) VCF-style: chr22-35799519-G-C.
Other names: c.407G>C (NM_006739.3); short protein forms S136T.
Identifiers: ClinVar variation 2693751 (VCV002693751.4), dbSNP rs2307334, ClinGen allele CA10205016.

ClinVar aggregate classification (germline): Uncertain significance. Review status: criteria provided, multiple submitters, no conflicts (2 of 4 stars). 2 submissions from 2 submitters: Uncertain significance (2). Last evaluated 2024-02-28.

Allele frequency attached by ClinVar (database versions not stated): ExAC 0.00005; ESP Exome Variant Server 0.00008; gnomAD 0.00011; TOPMed 0.00012.
gnomAD v4.1: 27 of 1,613,718 alleles (0.0017%); highest among the groups gnomAD compares: African/African-American, 0.032%; no homozygotes.

Submissions (2):

Ambry Genetics
Classification: Uncertain significance. Last evaluated: 2024-02-28. Review status: criteria provided, single submitter. Criteria: Ambry Variant Classification Scheme 2023. Collection method: clinical testing. Allele origin: germline.

Labcorp Genetics (formerly Invitae), Labcorp
Classification: Uncertain significance. Last evaluated: 2023-01-13. Review status: criteria provided, single submitter. Criteria: Invitae Variant Classification Sherloc (09022015). Collection method: clinical testing. Allele origin: germline.
Comment: Advanced modeling of protein sequence and biophysical properties (such as structural, functional, and spatial information, amino acid conservation, physicochemical variation, residue mobility, and thermodynamic stability) performed at Invitae indicates that this missense variant is not expected to disrupt MCM5 protein function. This variant has not been reported in the literature in individuals affected with MCM5-related conditions. This variant is present in population databases (rs2307334, gnomAD 0.04%). This sequence change replaces serine, which is neutral and polar, with threonine, which is neutral and polar, at codon 136 of the MCM5 protein (p.Ser136Thr). In summary, the available evidence is currently insufficient to determine the role of this variant in disease. Therefore, it has been classified as a Variant of Uncertain Significance.